The following is an entry in ClinVar:

NM_001243279.3(ACSF3):c.799A>G (p.Met267Val)

Gene: ACSF3 (acyl-CoA synthetase family member 3; plus strand). Cytogenetic location: 16q24.3.
Variant type: single nucleotide variant.
Coding change: c.799A>G on transcript NM_001243279.3 (MANE Select); coding-DNA position 799, A replaced by G.
Protein change: p.Met267Val; replaces methionine 267 with valine.
Molecular consequence: missense variant. On other transcripts: non-coding transcript variant (3).
Genome position (GRCh38, 1-based): chr16:89,102,736, A>G. VCF-style: chr16-89102736-A-G. GRCh37 (hg19) VCF-style: chr16-89169144-A-G.
Other names: c.799A>G, p.Met267Val (NM_001127214.4, NM_174917.5); c.4A>G, p.Met2Val (NM_001284316.2); c.799A>G (NM_174917.3); short protein forms M267V, M2V.
Identifiers: ClinVar variation 2141931 (VCV002141931.2), dbSNP rs538442044, ClinGen allele CA8237793.

ClinVar aggregate classification (germline): Uncertain significance. Review status: criteria provided, multiple submitters, no conflicts (2 of 4 stars). 2 submissions from 2 submitters: Uncertain significance (2). Last evaluated 2022-08-05.

Conditions:
Combined malonic and methylmalonic acidemia. Identifiers: Orphanet 289504, MedGen C3280314, MONDO:0013661, OMIM 614265.
Inborn genetic diseases. Identifiers: MedGen C0950123, MeSH D030342.

Allele frequency attached by ClinVar (database versions not stated): TOPMed 0.00001; ExAC 0.00002; gnomAD exomes 0.00002.
gnomAD v4.1: 13 of 1,612,872 alleles (0.00081%); highest among the groups gnomAD compares: Admixed American, 0.022%; no homozygotes.

Submissions (2):

Labcorp Genetics (formerly Invitae), Labcorp
Classification: Uncertain significance for Combined malonic and methylmalonic acidemia. Last evaluated: 2022-08-05. Review status: criteria provided, single submitter. Criteria: Invitae Variant Classification Sherloc (09022015). Collection method: clinical testing. Allele origin: germline.
Comment: This sequence change replaces methionine, which is neutral and non-polar, with valine, which is neutral and non-polar, at codon 267 of the ACSF3 protein (p.Met267Val). This variant is present in population databases (rs538442044, gnomAD 0.03%). This variant has not been reported in the literature in individuals affected with ACSF3-related conditions. Advanced modeling of protein sequence and biophysical properties (such as structural, functional, and spatial information, amino acid conservation, physicochemical variation, residue mobility, and thermodynamic stability) performed at Invitae indicates that this missense variant is expected to disrupt ACSF3 protein function. Algorithms developed to predict the effect of sequence changes on RNA splicing suggest that this variant may create or strengthen a splice site. In summary, the available evidence is currently insufficient to determine the role of this variant in disease. Therefore, it has been classified as a Variant of Uncertain Significance.

Ambry Genetics
Classification: Uncertain significance for Inborn genetic diseases. Last evaluated: 2020-12-02. Review status: criteria provided, single submitter. Criteria: Ambry Variant Classification Scheme 2023. Collection method: clinical testing. Allele origin: germline.
Comment: The c.799A>G (p.M267V) alteration is located in exon 4 (coding exon 2) of the ACSF3 gene. This alteration results from a A to G substitution at nucleotide position 799, causing the methionine (M) at amino acid position 267 to be replaced by a valine (V). The p.M267V alteration is predicted to be tolerated by in silico analysis. Based on insufficient or conflicting evidence, the clinical significance of this alteration remains unclear.